The following is an entry in ClinVar:

ClinVar aggregate classification (germline): Conflicting classifications of pathogenicity. Review status: criteria provided, conflicting classifications (1 of 4 stars). 2 submissions from 2 submitters: Uncertain significance (1); Benign (1). Last evaluated 2024-07-19.

Conditions:
Hereditary cancer-predisposing syndrome. Also called: Hereditary neoplastic syndrome; Tumor predisposition; Neoplastic Syndromes, Hereditary; Hereditary Cancer Syndrome. Identifiers: Orphanet 140162, MedGen C0027672, MeSH D009386, MONDO:0015356.

Allele frequency attached by ClinVar (database versions not stated): ExAC 0.13882.

Submissions (2):

Ambry Genetics
Classification: Uncertain significance for Hereditary cancer-predisposing syndrome. Last evaluated: 2024-07-19. Review status: criteria provided, single submitter. Criteria: Ambry Variant Classification Scheme 2023. Collection method: clinical testing. Allele origin: germline.
Comment: The p.H1030P variant (also known as c.3089A>C), located in coding exon 19 of the ALK gene, results from an A to C substitution at nucleotide position 3089. The histidine at codon 1030 is replaced by proline, an amino acid with similar properties. In addition, this alteration is predicted to be tolerated by in silico analysis. Based on the available evidence, the clinical significance of this variant remains unclear.

GeneDx
Classification: Benign. Last evaluated: 2018-09-25. Review status: criteria provided, single submitter. Criteria: GeneDx Variant Classification Process June 2021. Collection method: clinical testing. Allele origin: germline. Affected: yes.

NM_004304.5(ALK):c.3089A>C (p.His1030Pro)

Gene: ALK (ALK receptor tyrosine kinase; minus strand). Cytogenetic location: 2p23.2.
Variant type: single nucleotide variant.
Coding change: c.3089A>C on transcript NM_004304.5 (MANE Select); coding-DNA position 3089, A replaced by C.
Protein change: p.His1030Pro; replaces histidine 1030 with proline.
Molecular consequence: missense variant.
Genome position (GRCh38, 1-based): chr2:29,225,544, T>G on the plus strand (A>C on the coding strand, the complement: ALK is on the minus strand). VCF-style: chr2-29225544-T-G. GRCh37 (hg19) VCF-style: chr2-29448410-T-G.
Other names: short protein forms H1030P.
Identifiers: ClinVar variation 1181511 (VCV001181511.3), dbSNP rs200992945, ClinGen allele CA1594081.